The following is an entry in ClinVar:

ClinVar aggregate classification (germline): Uncertain significance. Review status: criteria provided, single submitter (1 of 4 stars). 2 submissions from 2 submitters: Uncertain significance (1). 1 of the submissions does not count toward it. Last evaluated 2023-11-20.

Conditions:
Retinal dystrophy. Also called: Inherited retinal dystrophy. Identifiers: Orphanet 71862, MedGen C0854723, MeSH D058499, MONDO:0019118, HP:0000556.

Allele frequency attached by ClinVar (database versions not stated): TOPMed below 0.00001; ExAC 0.00001.

Submissions (2):

Labcorp Genetics (formerly Invitae), Labcorp
Classification: Uncertain significance. Last evaluated: 2023-11-20. Review status: criteria provided, single submitter. Criteria: Invitae Variant Classification Sherloc (09022015). Collection method: clinical testing. Allele origin: germline.
Comment: This sequence change replaces proline, which is neutral and non-polar, with serine, which is neutral and polar, at codon 413 of the RBP3 protein (p.Pro413Ser). This variant is not present in population databases (gnomAD no frequency). This missense change has been observed in individual(s) with inherited retinal disease (PMID: 26872967). ClinVar contains an entry for this variant (Variation ID: 224751). Algorithms developed to predict the effect of missense changes on protein structure and function output the following: SIFT: "Not Available"; PolyPhen-2: "Benign"; Align-GVGD: "Not Available". The serine amino acid residue is found in multiple mammalian species, which suggests that this missense change does not adversely affect protein function. In summary, the available evidence is currently insufficient to determine the role of this variant in disease. Therefore, it has been classified as a Variant of Uncertain Significance.

Centre for Genomic Medicine, Manchester, Central Manchester University Hospitals
Classification: Likely pathogenic for Retinal dystrophy. Last evaluated: 2015-01-30. Review status: no assertion criteria provided. Collection method: clinical testing. Allele origin: germline. Affected: yes. Not counted in ClinVar's aggregate classification.

Literature cited by the submitters: PubMed 26872967 (cited by Labcorp Genetics (formerly Invitae), Labcorp and Centre for Genomic Medicine, Manchester, Central Manchester University Hospitals).

NM_002900.3(RBP3):c.1237C>T (p.Pro413Ser)

Gene: RBP3 (retinol binding protein 3; plus strand). Cytogenetic location: 10q11.22.
Variant type: single nucleotide variant.
Coding change: c.1237C>T on transcript NM_002900.3 (MANE Select); coding-DNA position 1237, C replaced by T.
Protein change: p.Pro413Ser; replaces proline 413 with serine.
Molecular consequence: missense variant.
Genome position (GRCh38, 1-based): chr10:47,349,721, C>T. VCF-style: chr10-47349721-C-T. GRCh37 (hg19) VCF-style: chr10-48389641-G-A.
Other names: short protein forms P413S.
Identifiers: ClinVar variation 224751 (VCV000224751.12), dbSNP rs782469310, ClinGen allele CA351431.
Genomic context (GRCh38, chr10:47,349,721, plus strand): 5'-ACAGAAACTCCTTCTTGGCCCGCGCCCGACGCTGCAGCCGAAGACTCACCAGGGGTGGCC[C>T]CAGAGTTGCCTGAGGACGAGGCTATCCGGCAAGCACTGGTGGACTCTGTGTTCCAGGTGT-3'
Protein context (NP_002891.1, residues 403-423): AAAEDSPGVA[Pro413Ser]ELPEDEAIRQ